The following is an entry in ClinVar:

ClinVar aggregate classification (germline): Pathogenic/Likely pathogenic. Review status: criteria provided, multiple submitters, no conflicts (2 of 4 stars). 2 submissions from 2 submitters: Pathogenic (1); Likely pathogenic (1). Last evaluated 2022-08-01.

Conditions:
Polycystic kidney disease 2 (PKD2). Also called: Polycystic Kidney Disease 2, Autosomal Dominant; POLYCYSTIC KIDNEY DISEASE, ADULT, TYPE II; POLYCYSTIC KIDNEY DISEASE 2 WITH OR WITHOUT POLYCYSTIC LIVER DISEASE. Identifiers: MedGen C2751306, MONDO:0013131, OMIM 613095.

Submissions (2):

GeneDx
Classification: Pathogenic. Last evaluated: 2022-08-01. Review status: criteria provided, single submitter. Criteria: GeneDx Variant Classification Process June 2021. Collection method: clinical testing. Allele origin: germline. Affected: yes.
Comment: Reported in unrelated patients with polycystic kidney disease in published literature (Kurashige et al., 2015); clinical information is limited; Canonical splice site variant predicted to result in a null allele in a gene for which loss of function is a known mechanism of disease; Not observed at significant frequency in large population cohorts (gnomAD); This variant is associated with the following publications: (PMID: 24611717)

Clinical Genetics Service, Universitary Hospital 12 de Octubre
Classification: Likely pathogenic for Polycystic kidney disease 2. Review status: criteria provided, single submitter. Criteria: ACMG Guidelines, 2015. Collection method: clinical testing. Allele origin: germline. Affected: yes.

NM_000297.4(PKD2):c.2358+1G>T

Gene: PKD2 (polycystin 2, transient receptor potential cation channel; plus strand). Cytogenetic location: 4q22.1.
Variant type: single nucleotide variant.
Coding change: c.2358+1G>T on transcript NM_000297.4 (MANE Select); the canonical splice donor site of the intron after coding-DNA position 2358, G replaced by T.
Molecular consequence: splice donor variant.
Genome position (GRCh38, 1-based): chr4:88,065,880, G>T. VCF-style: chr4-88065880-G-T. GRCh37 (hg19) VCF-style: chr4-88987032-G-T.
Identifiers: ClinVar variation 2428817 (VCV002428817.5), dbSNP rs2110138755, ClinGen allele CA357625579.